The following is an entry in ClinVar:

NM_002485.5(NBN):c.1397+6_1397+11del

Gene: NBN (nibrin; minus strand). Cytogenetic location: 8q21.3.
Variant type: Deletion.
Coding change: c.1397+6_1397+11del on transcript NM_002485.5 (MANE Select); bases 6 to 11 of the intron after coding-DNA position 1397, 6 bases deleted (TTTTTG; older notation c.1397+6_1397+11delTTTTTG).
Molecular consequence: intron variant.
Genome position (GRCh38, 1-based): chr8:89,955,272-89,955,277, CAAAAA deleted on the plus strand (TTTTTG on the coding strand, the reverse complement: NBN is on the minus strand); deleting any 6 consecutive bases within chr8:89,955,272-89,955,279 gives the same sequence; the c. name uses the placement nearest the transcript's 3' end. VCF-style (leftmost placement, unchanged base first): chr8-89955271-TCAAAAA-T. GRCh37 (hg19) VCF-style: chr8-90967499-TCAAAAA-T.
Other names: c.1151+6_1151+11del (NM_001024688.3).
Identifiers: ClinVar variation 2192561 (VCV002192561.4), dbSNP rs1810644587, ClinGen allele CA1801424045.
Genomic context (GRCh38, chr8:89,955,271, plus strand): 5'-TACCATTCTACAACAGTATAAAAAACTTTCATTTTTTTTTCAGAGACATGAGAGAAGTTA[TCAAAAA>T]CAGACCTTTTTTTGGTAGACGGCTGAAAGTAGTTTCTGATGGAGTTGGTCTGCTGCTGCT-3'

ClinVar aggregate classification (germline): Uncertain significance (1 of 4 stars; one submission).

Conditions:
Microcephaly, normal intelligence and immunodeficiency (NBS). Also called: BERLIN BREAKAGE SYNDROME; Immunodeficiency, microcephaly with normal intelligence; Nijmegen breakage syndrome; Microcephaly with normal intelligence immunodeficiency and lymphoreticular malignancies; Nonsyndromal microcephaly autosomal recessive with normal intelligence; Seemanova syndrome 2. Identifiers: Orphanet 647, MedGen C0398791, MONDO:0009623, OMIM 251260.

Submission:

Labcorp Genetics (formerly Invitae), Labcorp
Classification: Uncertain significance for Microcephaly, normal intelligence and immunodeficiency. Last evaluated: 2025-10-06. Review status: criteria provided, single submitter. Criteria: Invitae Variant Classification Sherloc (09022015). Collection method: clinical testing. Allele origin: germline.
Comment: This sequence change falls in intron 10 of the NBN gene. It does not directly change the encoded amino acid sequence of the NBN protein. It affects a nucleotide within the consensus splice site. This variant is not present in population databases (gnomAD no frequency). This variant has not been reported in the literature in individuals affected with NBN-related conditions. ClinVar contains an entry for this variant (Variation ID: 2192561). Variants that disrupt the consensus splice site are a relatively common cause of aberrant splicing (PMID: 17576681, 9536098). Algorithms developed to predict the effect of sequence changes on RNA splicing suggest that this variant is not likely to affect RNA splicing. In summary, the available evidence is currently insufficient to determine the role of this variant in disease. Therefore, it has been classified as a Variant of Uncertain Significance.

Literature cited by the submitters: PubMed 17576681; PubMed 9536098.